The following is an entry in ClinVar:

ClinVar aggregate classification (germline): Pathogenic (1 of 4 stars; one submission).

Submission:

Labcorp Genetics (formerly Invitae), Labcorp
Classification: Pathogenic. Last evaluated: 2023-06-16. Review status: criteria provided, single submitter. Criteria: Invitae Variant Classification Sherloc (09022015). Collection method: clinical testing. Allele origin: germline.
Comment: For these reasons, this variant has been classified as Pathogenic. This sequence change creates a premature translational stop signal (p.Gln191*) in the PRDM5 gene. It is expected to result in an absent or disrupted protein product. Loss-of-function variants in PRDM5 are known to be pathogenic (PMID: 21664999, 26395458). This variant is not present in population databases (gnomAD no frequency). This variant has not been reported in the literature in individuals affected with PRDM5-related conditions.

Literature cited by the submitters: PubMed 21664999; PubMed 26395458.

NM_018699.4(PRDM5):c.571C>T (p.Gln191Ter)

Gene: PRDM5 (PR/SET domain 5; minus strand). Cytogenetic location: 4q27.
Variant type: single nucleotide variant.
Coding change: c.571C>T on transcript NM_018699.4 (MANE Select); coding-DNA position 571, C replaced by T.
Protein change: p.Gln191Ter; replaces glutamine 191 with a stop codon.
Molecular consequence: nonsense.
Genome position (GRCh38, 1-based): chr4:120,818,432, G>A on the plus strand (C>T on the coding strand, the complement: PRDM5 is on the minus strand). VCF-style: chr4-120818432-G-A. GRCh37 (hg19) VCF-style: chr4-121739587-G-A.
Other names: c.571C>T, p.Gln191Ter (NM_001300823.2, NM_001300824.2, NM_001379104.1 and 1 more transcripts); short protein forms Q191*.
Identifiers: ClinVar variation 2717534 (VCV002717534.3), dbSNP rs2477994517, ClinGen allele CA358208059.